The following is an entry in ClinVar:

ClinVar aggregate classification (germline): Uncertain significance. Review status: criteria provided, multiple submitters, no conflicts (2 of 4 stars). 2 submissions from 2 submitters: Uncertain significance (2). Last evaluated 2023-11-27.

Conditions:
FAT4-related disorder. Also called: FAT4-related condition.

Allele frequency attached by ClinVar (database versions not stated): gnomAD 0.00001; gnomAD exomes 0.00002; ExAC 0.00006; 1000 Genomes Project 0.00020; 1000 Genomes Project 30x 0.00031.
gnomAD v4.1: 37 of 1,614,208 alleles (0.0023%); highest among the groups gnomAD compares: South Asian, 0.038%; 1 homozygote.

Submissions (2):

Labcorp Genetics (formerly Invitae), Labcorp
Classification: Uncertain significance. Last evaluated: 2023-11-27. Review status: criteria provided, single submitter. Criteria: Invitae Variant Classification Sherloc (09022015). Collection method: clinical testing. Allele origin: germline.
Comment: This sequence change replaces arginine, which is basic and polar, with threonine, which is neutral and polar, at codon 606 of the FAT4 protein (p.Arg606Thr). This variant is present in population databases (rs187882510, gnomAD 0.04%). This variant has not been reported in the literature in individuals affected with FAT4-related conditions. ClinVar contains an entry for this variant (Variation ID: 1924876). Advanced modeling of protein sequence and biophysical properties (such as structural, functional, and spatial information, amino acid conservation, physicochemical variation, residue mobility, and thermodynamic stability) performed at Invitae indicates that this missense variant is not expected to disrupt FAT4 protein function with a negative predictive value of 80%. In summary, the available evidence is currently insufficient to determine the role of this variant in disease. Therefore, it has been classified as a Variant of Uncertain Significance.

PreventionGenetics, part of Exact Sciences
Classification: Uncertain significance for FAT4-related condition. Last evaluated: 2022-09-06. Review status: criteria provided, single submitter. Criteria: ACMG Guidelines, 2015. Collection method: clinical testing. Allele origin: germline.
Comment: The FAT4 c.1817G>C variant is predicted to result in the amino acid substitution p.Arg606Thr. To our knowledge, this variant has not been reported in the literature. This variant is reported in 0.039% of alleles in individuals of South Asian descent in gnomAD. At this time, the clinical significance of this variant is uncertain due to the absence of conclusive functional and genetic evidence.

NM_001291303.3(FAT4):c.1817G>C (p.Arg606Thr)

Gene: FAT4 (FAT atypical cadherin 4; plus strand). Cytogenetic location: 4q28.1.
Variant type: single nucleotide variant.
Coding change: c.1817G>C on transcript NM_001291303.3 (MANE Select); coding-DNA position 1817, G replaced by C.
Protein change: p.Arg606Thr; replaces arginine 606 with threonine.
Molecular consequence: missense variant.
Genome position (GRCh38, 1-based): chr4:125,318,228, G>C. VCF-style: chr4-125318228-G-C. GRCh37 (hg19) VCF-style: chr4-126239383-G-C.
Other names: c.1817G>C, p.Arg606Thr (NM_001291285.3, NM_024582.6); c.1817G>C (NM_001291303.1); short protein forms R606T.
Identifiers: ClinVar variation 1924876 (VCV001924876.4), dbSNP rs187882510, ClinGen allele CA3072056.